The following is an entry in ClinVar:

ClinVar aggregate classification (germline): Uncertain significance. Review status: criteria provided, multiple submitters, no conflicts (2 of 4 stars). 2 submissions from 2 submitters: Uncertain significance (2). Last evaluated 2024-10-18.

Conditions:
Walker-Warburg congenital muscular dystrophy. Also called: Muscular dystrophy-dystroglycanopathy, type A; Walker-Warburg syndrome. Identifiers: Orphanet 899, MedGen C0265221, MONDO:0000171.
Cardiovascular phenotype. Identifiers: MedGen CN230736.

Submissions (2):

Labcorp Genetics (formerly Invitae), Labcorp
Classification: Uncertain significance for Walker-Warburg congenital muscular dystrophy. Last evaluated: 2024-10-18. Review status: criteria provided, single submitter. Criteria: Invitae Variant Classification Sherloc (09022015). Collection method: clinical testing. Allele origin: germline.
Comment: This sequence change replaces arginine, which is basic and polar, with histidine, which is basic and polar, at codon 41 of the FKRP protein (p.Arg41His). The frequency data for this variant in the population databases is considered unreliable, as metrics indicate poor data quality at this position in the gnomAD database. This variant has not been reported in the literature in individuals affected with FKRP-related conditions. ClinVar contains an entry for this variant (Variation ID: 1466633). An algorithm developed to predict the effect of missense changes on protein structure and function outputs the following: PolyPhen-2: "Benign". The histidine amino acid residue is found in multiple mammalian species, which suggests that this missense change does not adversely affect protein function. In summary, the available evidence is currently insufficient to determine the role of this variant in disease. Therefore, it has been classified as a Variant of Uncertain Significance.

Ambry Genetics
Classification: Uncertain significance for Cardiovascular phenotype. Last evaluated: 2024-02-12. Review status: criteria provided, single submitter. Criteria: Ambry Variant Classification Scheme 2023. Collection method: clinical testing. Allele origin: germline.

NM_024301.5(FKRP):c.122G>A (p.Arg41His)

Gene: FKRP (fukutin related protein; plus strand). Cytogenetic location: 19q13.32.
Variant type: single nucleotide variant.
Coding change: c.122G>A on transcript NM_024301.5 (MANE Select); coding-DNA position 122, G replaced by A.
Protein change: p.Arg41His; replaces arginine 41 with histidine.
Molecular consequence: missense variant.
Genome position (GRCh38, 1-based): chr19:46,755,572, G>A. VCF-style: chr19-46755572-G-A. GRCh37 (hg19) VCF-style: chr19-47258829-G-A.
Other names: c.122G>A, p.Arg41His (NM_001039885.3); c.122G>A (NM_024301.4); short protein forms R41H.
Identifiers: ClinVar variation 1466633 (VCV001466633.7), dbSNP rs201497063, ClinGen allele CA406494706.
Genomic context (GRCh38, chr19:46,755,572, plus strand): 5'-TCTTCTATGTCTCGTGGCTGCAGCACCAGCCTAGGAATTCCCGGGCCCGGGGGCCCCGTC[G>A]TGCCTCTGCTGCCGGCCCCCGTGTCACCGTCCTGGTGCGGGAGTTCGAGGCATTTGACAA-3'
Protein context (NP_077277.1, residues 31-51): PRNSRARGPR[Arg41His]ASAAGPRVTV